The following is an entry in ClinVar:

ClinVar aggregate classification (germline): Uncertain significance. Review status: criteria provided, multiple submitters, no conflicts (2 of 4 stars). 3 submissions from 3 submitters: Uncertain significance (3). Last evaluated 2024-06-05.

Conditions:
Inborn genetic diseases. Identifiers: MedGen C0950123, MeSH D030342.

Allele frequency attached by ClinVar (database versions not stated): gnomAD exomes 0.00002; gnomAD 0.00004; TOPMed 0.00004; ExAC 0.00012; 1000 Genomes Project 0.00020; 1000 Genomes Project 30x 0.00031.

Submissions (3):

Blueprint Genetics
Classification: Uncertain significance. Last evaluated: 2024-06-05. Review status: criteria provided, single submitter. Criteria: ACMG Guidelines, 2015. Collection method: clinical testing. Allele origin: germline.

Ambry Genetics
Classification: Uncertain significance for Inborn genetic diseases. Last evaluated: 2023-05-03. Review status: criteria provided, single submitter. Criteria: Ambry Variant Classification Scheme 2023. Collection method: clinical testing. Allele origin: germline.

Labcorp Genetics (formerly Invitae), Labcorp
Classification: Uncertain significance. Last evaluated: 2022-07-17. Review status: criteria provided, single submitter. Criteria: Invitae Variant Classification Sherloc (09022015). Collection method: clinical testing. Allele origin: germline.
Comment: This sequence change replaces alanine, which is neutral and non-polar, with threonine, which is neutral and polar, at codon 69 of the REEP6 protein (p.Ala69Thr). This variant is present in population databases (rs199697545, gnomAD 0.1%). This variant has not been reported in the literature in individuals affected with REEP6-related conditions. Experimental studies and prediction algorithms are not available or were not evaluated, and the functional significance of this variant is currently unknown. In summary, the available evidence is currently insufficient to determine the role of this variant in disease. Therefore, it has been classified as a Variant of Uncertain Significance.

NM_138393.4(REEP6):c.205G>A (p.Ala69Thr)

Gene: REEP6 (receptor accessory protein 6; plus strand). Cytogenetic location: 19p13.3.
Variant type: single nucleotide variant.
Coding change: c.205G>A on transcript NM_138393.4 (MANE Select); coding-DNA position 205, G replaced by A.
Protein change: p.Ala69Thr; replaces alanine 69 with threonine.
Molecular consequence: missense variant.
Genome position (GRCh38, 1-based): chr19:1,495,383, G>A. VCF-style: chr19-1495383-G-A. GRCh37 (hg19) VCF-style: chr19-1495382-G-A.
Other names: c.205G>A, p.Ala69Thr (NM_001329556.3); c.205G>A (NM_138393.1); short protein forms A69T.
Identifiers: ClinVar variation 2145030 (VCV002145030.4), dbSNP rs199697545, ClinGen allele CA9047428.